The following is an entry in ClinVar:

NM_001035.3(RYR2):c.2908T>A (p.Tyr970Asn)

Gene: RYR2 (ryanodine receptor 2; plus strand). Cytogenetic location: 1q43.
Variant type: single nucleotide variant.
Coding change: c.2908T>A on transcript NM_001035.3 (MANE Select); coding-DNA position 2908, T replaced by A.
Protein change: p.Tyr970Asn; replaces tyrosine 970 with asparagine.
Molecular consequence: missense variant.
Genome position (GRCh38, 1-based): chr1:237,548,432, T>A. VCF-style: chr1-237548432-T-A. GRCh37 (hg19) VCF-style: chr1-237711732-T-A.
Other names: short protein forms Y970N.
Identifiers: ClinVar variation 2772103 (VCV002772103.3), dbSNP rs2546275792, ClinGen allele CA345393418.
Genomic context (GRCh38, chr1:237,548,432, plus strand): 5'-TACAGAGATTTTTATGAAAAGGCCAATTATACACAAATTTCTTTGTCTCTGATTTGTAGT[T>A]ACCAGCTGACAAGTGGATACAAGCCTGCCCCTATGGACCTGAGCTTTATCAAACTCACCC-3'
Protein context (NP_001026.2, residues 960-980): KVKKMKLPKN[Tyr970Asn]QLTSGYKPAP

ClinVar aggregate classification (germline): Uncertain significance (1 of 4 stars; one submission).

Conditions:
Catecholaminergic polymorphic ventricular tachycardia 1. Also called: RYR2-Related Catecholaminergic Polymorphic Ventricular Tachycardia; VENTRICULAR TACHYCARDIA, STRESS-INDUCED POLYMORPHIC 1; VENTRICULAR TACHYCARDIA, CATECHOLAMINERGIC POLYMORPHIC, 1, WITH OR WITHOUT ATRIAL DYSFUNCTION AND/OR DILATED CARDIOMYOPATHY. Identifiers: Orphanet 3286, MedGen C1631597, MONDO:0011484, OMIM 604772.

Allele frequency attached by ClinVar (database versions not stated): gnomAD exomes below 0.00001.
gnomAD v4.1: 3 of 1,613,454 alleles (0.00019%); highest among the groups gnomAD compares: Non-Finnish European, 0.00025%; no homozygotes.

Submission:

Labcorp Genetics (formerly Invitae), Labcorp
Classification: Uncertain significance for Catecholaminergic polymorphic ventricular tachycardia 1. Last evaluated: 2024-12-05. Review status: criteria provided, single submitter. Criteria: Invitae Variant Classification Sherloc (09022015). Collection method: clinical testing. Allele origin: germline.
Comment: This sequence change replaces tyrosine, which is neutral and polar, with asparagine, which is neutral and polar, at codon 970 of the RYR2 protein (p.Tyr970Asn). This variant is not present in population databases (gnomAD no frequency). This variant has not been reported in the literature in individuals affected with RYR2-related conditions. ClinVar contains an entry for this variant (Variation ID: 2772103). An algorithm developed to predict the effect of missense changes on protein structure and function (PolyPhen-2) suggests that this variant is likely to be disruptive. In summary, the available evidence is currently insufficient to determine the role of this variant in disease. Therefore, it has been classified as a Variant of Uncertain Significance.